The following is an entry in ClinVar:

NM_000393.5(COL5A2):c.1808G>A (p.Gly603Asp)

Gene: COL5A2 (collagen type V alpha 2 chain; minus strand). Cytogenetic location: 2q32.2.
Variant type: single nucleotide variant.
Coding change: c.1808G>A on transcript NM_000393.5 (MANE Select); coding-DNA position 1808, G replaced by A.
Protein change: p.Gly603Asp; replaces glycine 603 with aspartic acid.
Molecular consequence: missense variant.
Genome position (GRCh38, 1-based): chr2:189,063,233, C>T on the plus strand (G>A on the coding strand, the complement: COL5A2 is on the minus strand). VCF-style: chr2-189063233-C-T. GRCh37 (hg19) VCF-style: chr2-189927959-C-T.
Other names: short protein forms G603D.
Identifiers: ClinVar variation 1780513 (VCV001780513.5), dbSNP rs1553515338, ClinGen allele CA349880033.

ClinVar aggregate classification (germline): Uncertain significance. Review status: criteria provided, multiple submitters, no conflicts (2 of 4 stars). 2 submissions from 2 submitters: Uncertain significance (2). Last evaluated 2025-05-12.

Conditions:
Ehlers-Danlos syndrome, classic type, 1 (EDSCL1). Also called: Ehlers-Danlos syndrome, type 1; Ehlers-Danlos Syndrome, Classic Type, COL5A1-Related; EDS I; EHLERS-DANLOS SYNDROME, GRAVIS TYPE; EHLERS-DANLOS SYNDROME, SEVERE CLASSIC TYPE. Identifiers: MedGen C0268335, MONDO:0019567, OMIM 130000.
Familial thoracic aortic aneurysm and aortic dissection (TAAD). Also called: Thoracic aortic aneurysms and dissections. Identifiers: Orphanet 91387, MedGen C4707243, MONDO:0019625.

Submissions (2):

Labcorp Genetics (formerly Invitae), Labcorp
Classification: Uncertain significance for Ehlers-Danlos syndrome, classic type, 1. Last evaluated: 2025-05-12. Review status: criteria provided, single submitter. Criteria: Invitae Variant Classification Sherloc (09022015). Collection method: clinical testing. Allele origin: germline.
Comment: This sequence change replaces glycine, which is neutral and non-polar, with aspartic acid, which is acidic and polar, at codon 603 of the COL5A2 protein (p.Gly603Asp). This variant is not present in population databases (gnomAD no frequency). This variant has not been reported in the literature in individuals affected with COL5A2-related conditions. ClinVar contains an entry for this variant (Variation ID: 1780513). Invitae Evidence Modeling of protein sequence and biophysical properties (such as structural, functional, and spatial information, amino acid conservation, physicochemical variation, residue mobility, and thermodynamic stability) indicates that this missense variant is expected to disrupt COL5A2 protein function with a positive predictive value of 80%. In summary, the available evidence is currently insufficient to determine the role of this variant in disease. Therefore, it has been classified as a Variant of Uncertain Significance.

Ambry Genetics
Classification: Uncertain significance for Familial thoracic aortic aneurysm and aortic dissection. Last evaluated: 2019-12-02. Review status: criteria provided, single submitter. Criteria: Ambry Variant Classification Scheme 2023. Collection method: clinical testing. Allele origin: germline.
Comment: The p.G603D variant (also known as c.1808G>A), located in coding exon 27 of the COL5A2 gene, results from a G to A substitution at nucleotide position 1808. The glycine at codon 603 is replaced by aspartic acid, an amino acid with similar properties. Internal structural analysis indicates that this alteration disrupts the characteristic G-X-Y motif of the triple helical domain in the COL5A2 protein and inserts a bulky side chain into a sterically-constrained region (Bella J et al. Science. 1994;266:75-81; Hohenester E et al. Proc. Natl. Acad. Sci.U.S.A. 2008;105:18273-7; Ambry internal data). Glycine substitutions in the triple helical domain of COL5A2 have been reported in association with classic Ehlers-Danlos syndrome (cEDS), but the number of affected individuals is limited and several other COL5A2 glycine substitutions in the triple helical domain (e.g., p.G951E and p.G831A) are too common for disease in population databases (Symoens S et al. Hum. Mutat., 2012 Oct;33:1485-93; Ritelli M et al. Orphanet J Rare Dis. 2013 Apr;8:58). This amino acid position is highly conserved in available vertebrate species. In addition, this alteration is predicted to be deleterious by in silico analysis. Since supporting evidence is limited at this time, the clinical significance of this alteration remains unclear.